The following is an entry in ClinVar:

ClinVar aggregate classification (germline): Uncertain significance (1 of 4 stars; one submission).

Conditions:
Charcot-Marie-Tooth disease type 4. Also called: Charcot-Marie-Tooth, Type 4; Charcot-Marie-Tooth disease, type IV. Identifiers: Orphanet 64749, MedGen C4082197, MONDO:0018995.

Allele frequency attached by ClinVar (database versions not stated): TOPMed below 0.00001; ExAC 0.00001; gnomAD 0.00001; gnomAD exomes 0.00002 and 0.00004.

Submission:

Labcorp Genetics (formerly Invitae), Labcorp
Classification: Uncertain significance for Charcot-Marie-Tooth disease type 4. Last evaluated: 2025-12-21. Review status: criteria provided, single submitter. Criteria: Invitae Variant Classification Sherloc (09022015). Collection method: clinical testing. Allele origin: germline.
Comment: This sequence change replaces cysteine, which is neutral and slightly polar, with arginine, which is basic and polar, at codon 86 of the PRX protein (p.Cys86Arg). This variant is present in population databases (rs765676916, gnomAD 0.009%). This variant has not been reported in the literature in individuals affected with PRX-related conditions. ClinVar contains an entry for this variant (Variation ID: 575531). An algorithm developed to predict the effect of missense changes on protein structure and function (PolyPhen-2) suggests that this variant is likely to be disruptive. In summary, the available evidence is currently insufficient to determine the role of this variant in disease. Therefore, it has been classified as a Variant of Uncertain Significance.

NM_181882.3(PRX):c.256T>C (p.Cys86Arg)

Gene: PRX (periaxin; minus strand). Cytogenetic location: 19q13.2.
Variant type: single nucleotide variant.
Coding change: c.256T>C on transcript NM_181882.3 (MANE Select); coding-DNA position 256, T replaced by C.
Protein change: p.Cys86Arg; replaces cysteine 86 with arginine.
Molecular consequence: missense variant.
Genome position (GRCh38, 1-based): chr19:40,398,745, A>G on the plus strand (T>C on the coding strand, the complement: PRX is on the minus strand). VCF-style: chr19-40398745-A-G. GRCh37 (hg19) VCF-style: chr19-40904652-A-G.
Other names: c.256T>C, p.Cys86Arg (NM_020956.2); short protein forms C86R.
Identifiers: ClinVar variation 575531 (VCV000575531.9), dbSNP rs765676916, ClinGen allele CA9444525.